The following is an entry in ClinVar:

NM_001282531.3(ADNP):c.2753A>C (p.Glu918Ala)

Gene: ADNP (activity dependent neuroprotector homeobox; minus strand). Cytogenetic location: 20q13.13.
Variant type: single nucleotide variant.
Coding change: c.2753A>C on transcript NM_001282531.3 (MANE Select); coding-DNA position 2753, A replaced by C.
Protein change: p.Glu918Ala; replaces glutamic acid 918 with alanine.
Molecular consequence: missense variant.
Genome position (GRCh38, 1-based): chr20:50,891,961, T>G on the plus strand (A>C on the coding strand, the complement: ADNP is on the minus strand). VCF-style: chr20-50891961-T-G. GRCh37 (hg19) VCF-style: chr20-49508498-T-G.
Other names: c.2753A>C, p.Glu918Ala (NM_001282532.2, NM_001347511.2, NM_015339.5 and 1 more transcripts); c.2969A>C, p.Glu990Ala (NM_001439000.1); c.2069A>C, p.Glu690Ala (NM_001439001.1); short protein forms E690A, E918A, E990A.
Identifiers: ClinVar variation 4807348 (VCV004807348.1).

ClinVar aggregate classification (germline): Uncertain significance (1 of 4 stars; one submission).

Submission:

Labcorp Genetics (formerly Invitae), Labcorp
Classification: Uncertain significance. Last evaluated: 2025-10-14. Review status: criteria provided, single submitter. Criteria: Invitae Variant Classification Sherloc (09022015). Collection method: clinical testing. Allele origin: germline.
Comment: This sequence change replaces glutamic acid, which is acidic and polar, with alanine, which is neutral and non-polar, at codon 918 of the ADNP protein (p.Glu918Ala). This variant is not present in population databases (gnomAD no frequency). This variant has not been reported in the literature in individuals affected with ADNP-related conditions. An algorithm developed to predict the effect of missense changes on protein structure and function (PolyPhen-2) suggests that this variant is likely to be tolerated. In summary, the available evidence is currently insufficient to determine the role of this variant in disease. Therefore, it has been classified as a Variant of Uncertain Significance.